The following is an entry in ClinVar:

ClinVar aggregate classification (germline): Uncertain significance (1 of 4 stars; one submission).

Allele frequency attached by ClinVar (database versions not stated): gnomAD exomes below 0.00001; TOPMed 0.00001.
gnomAD v4.1: 2 of 1,612,194 alleles (0.00012%); highest among the groups gnomAD compares: Non-Finnish European, 0.00017%; no homozygotes.

Submission:

GeneDx
Classification: Uncertain significance. Last evaluated: 2021-06-22. Review status: criteria provided, single submitter. Criteria: GeneDx Variant Classification Process June 2021. Collection method: clinical testing. Allele origin: germline. Affected: yes.
Comment: Not observed at significant frequency in large population cohorts (Lek et al., 2016); In silico analysis supports that this missense variant has a deleterious effect on protein structure/function; Has not been previously published as pathogenic or benign to our knowledge

NM_001039141.3(TRIOBP):c.4675T>C (p.Trp1559Arg)

Gene: TRIOBP (TRIO and F-actin binding protein; plus strand). Cytogenetic location: 22q13.1.
Variant type: single nucleotide variant.
Coding change: c.4675T>C on transcript NM_001039141.3 (MANE Select); coding-DNA position 4675, T replaced by C.
Protein change: p.Trp1559Arg; replaces tryptophan 1559 with arginine.
Molecular consequence: missense variant.
Genome position (GRCh38, 1-based): chr22:37,735,011, T>C. VCF-style: chr22-37735011-T-C. GRCh37 (hg19) VCF-style: chr22-38131018-T-C.
Other names: short protein forms W1559R.
Identifiers: ClinVar variation 1329782 (VCV001329782.2), dbSNP rs760835420, ClinGen allele CA324142190.